The following is an entry in ClinVar:

ClinVar aggregate classification (germline): Benign/Likely benign. Review status: criteria provided, multiple submitters, no conflicts (2 of 4 stars). 7 submissions from 6 submitters: Benign (3); Likely benign (3). 1 of the submissions does not count toward it. Last evaluated 2026-01-21.

Conditions:
NOTCH1-related disorder. Also called: NOTCH1-related disorders; NOTCH1-related condition.
Adams-Oliver syndrome 5 (AOS5). Identifiers: Orphanet 974, MedGen C4014970, MONDO:0014459, OMIM 616028.
Aortic valve disease 1 (AOVD1). Identifiers: MedGen C3887892, MONDO:0024523, OMIM 109730.
Familial thoracic aortic aneurysm and aortic dissection (TAAD). Also called: Thoracic aortic aneurysms and dissections. Identifiers: Orphanet 91387, MedGen C4707243, MONDO:0019625.

Allele frequency attached by ClinVar (database versions not stated): gnomAD 0.00062 and 0.00059; TOPMed 0.00075; ESP Exome Variant Server 0.00094; ExAC 0.00019; 1000 Genomes Project 30x 0.00047; 1000 Genomes Project 0.00060.
gnomAD v4.1: 190 of 1,608,620 alleles (0.012%); highest among the groups gnomAD compares: African/African-American, 0.22%; no homozygotes.

Submissions (7):

Labcorp Genetics (formerly Invitae), Labcorp
Classification: Benign for Adams-Oliver syndrome 5. Last evaluated: 2026-01-21. Review status: criteria provided, single submitter. Criteria: Invitae Variant Classification Sherloc (09022015). Collection method: clinical testing. Allele origin: germline.

Blueprint Genetics
Classification: Likely benign. Last evaluated: 2024-03-19. Review status: criteria provided, single submitter. Criteria: ACMG Guidelines, 2015. Collection method: clinical testing. Allele origin: germline.

Genome-Nilou Lab
Classification: Benign for Adams-Oliver syndrome 5. Last evaluated: 2022-03-15. Review status: criteria provided, single submitter. Criteria: ACMG Guidelines, 2015. Collection method: clinical testing. Allele origin: germline. Affected: no.

Genome-Nilou Lab
Classification: Benign for Aortic valve disease 1. Last evaluated: 2022-03-15. Review status: criteria provided, single submitter. Criteria: ACMG Guidelines, 2015. Collection method: clinical testing. Allele origin: germline. Affected: no.

Ambry Genetics
Classification: Likely benign for Familial thoracic aortic aneurysm and aortic dissection. Last evaluated: 2022-03-12. Review status: criteria provided, single submitter. Criteria: Ambry Variant Classification Scheme 2023. Collection method: clinical testing. Allele origin: germline.

GeneDx
Classification: Likely benign. Last evaluated: 2020-08-26. Review status: criteria provided, single submitter. Criteria: GeneDx Variant Classification Process June 2021. Collection method: clinical testing. Allele origin: germline. Affected: yes.

PreventionGenetics, part of Exact Sciences
Classification: Likely benign for NOTCH1-related condition. Last evaluated: 2023-12-26. Review status: no assertion criteria provided. Collection method: clinical testing. Allele origin: germline. Not counted in ClinVar's aggregate classification.
Comment: This variant is classified as likely benign based on ACMG/AMP sequence variant interpretation guidelines (Richards et al. 2015 PMID: 25741868, with internal and published modifications).

NM_017617.5(NOTCH1):c.6363C>T (p.Ser2121=)

Gene: NOTCH1 (notch receptor 1; minus strand). Cytogenetic location: 9q34.3.
Variant type: single nucleotide variant.
Coding change: c.6363C>T on transcript NM_017617.5 (MANE Select); coding-DNA position 6363, C replaced by T.
Protein change: p.Ser2121=; no amino-acid change (serine 2121 retained).
Molecular consequence: synonymous variant.
Genome position (GRCh38, 1-based): chr9:136,497,376, G>A on the plus strand (C>T on the coding strand, the complement: NOTCH1 is on the minus strand). VCF-style: chr9-136497376-G-A. GRCh37 (hg19) VCF-style: chr9-139391828-G-A.
Other names: c.6363C>T, p.Ser2121= (LRG_1122t1); c.6363C>T (NM_017617.4).
Identifiers: ClinVar variation 392537 (VCV000392537.20), dbSNP rs61751533, ClinGen allele CA5339923.